The following is an entry in ClinVar:

NM_006922.4(SCN3A):c.2629A>G (p.Asn877Asp)

Gene: SCN3A (sodium voltage-gated channel alpha subunit 3; minus strand). Cytogenetic location: 2q24.3.
Variant type: single nucleotide variant.
Coding change: c.2629A>G on transcript NM_006922.4 (MANE Select); coding-DNA position 2629, A replaced by G.
Protein change: p.Asn877Asp; replaces asparagine 877 with aspartic acid.
Molecular consequence: missense variant.
Genome position (GRCh38, 1-based): chr2:165,130,233, T>C on the plus strand (A>G on the coding strand, the complement: SCN3A is on the minus strand). VCF-style: chr2-165130233-T-C. GRCh37 (hg19) VCF-style: chr2-165986743-T-C.
Other names: c.2482A>G, p.Asn828Asp (NM_001081676.2, NM_001081677.2); short protein forms N828D, N877D.
Identifiers: ClinVar variation 5008090 (VCV005008090.1).

ClinVar aggregate classification (germline): Uncertain significance (1 of 4 stars; one submission).

Submission:

GeneDx
Classification: Uncertain significance. Last evaluated: 2026-03-10. Review status: criteria provided, single submitter. Criteria: GeneDx Variant Classification Process June 2021. Collection method: clinical testing. Allele origin: germline.
Comment: Not observed at significant frequency in large population cohorts (gnomAD); In silico analysis supports that this missense variant has a deleterious effect on protein structure/function; Has not been previously published as pathogenic or benign to our knowledge.